The following is an entry in ClinVar:

ClinVar aggregate classification (germline): Uncertain significance (1 of 4 stars; one submission).

Conditions:
Charcot-Marie-Tooth disease type 2. Also called: Charcot-Marie-Tooth type 2. Identifiers: Orphanet 64746, MedGen C0270914, MONDO:0018993.

Submission:

Labcorp Genetics (formerly Invitae), Labcorp
Classification: Uncertain significance for Charcot-Marie-Tooth disease type 2. Last evaluated: 2021-08-07. Review status: criteria provided, single submitter. Criteria: Invitae Variant Classification Sherloc (09022015). Collection method: clinical testing. Allele origin: germline.
Comment: In summary, the available evidence is currently insufficient to determine the role of this variant in disease. Therefore, it has been classified as a Variant of Uncertain Significance. Algorithms developed to predict the effect of missense changes on protein structure and function are either unavailable or do not agree on the potential impact of this missense change (SIFT: "Not Available"; PolyPhen-2: "Probably Damaging"; Align-GVGD: "Not Available"). This variant has not been reported in the literature in individuals affected with MFN2-related conditions. The frequency data for this variant in the population databases is not available, as this variant may be reported as separate entries in the ExAC database. This sequence change replaces alanine with phenylalanine at codon 264 of the MFN2 protein (p.Ala264Phe). The alanine residue is highly conserved and there is a moderate physicochemical difference between alanine and phenylalanine.

NM_014874.4(MFN2):c.790_791delinsTT (p.Ala264Phe)

Gene: MFN2 (mitofusin 2; plus strand). Cytogenetic location: 1p36.22.
Variant type: Indel.
Coding change: c.790_791delinsTT on transcript NM_014874.4 (MANE Select); coding-DNA positions 790 to 791, GC replaced by TT.
Protein change: p.Ala264Phe; replaces alanine 264 with phenylalanine.
Molecular consequence: missense variant.
Genome position (GRCh38, 1-based): chr1:11,999,069-11,999,070, GC replaced by TT. VCF-style: chr1-11999069-GC-TT. GRCh37 (hg19) VCF-style: chr1-12059126-GC-TT.
Other names: c.790_791delinsTT, p.Ala264Phe (NM_001127660.2); short protein forms A264F.
Identifiers: ClinVar variation 1373259 (VCV001373259.6), dbSNP rs2100832738, ClinGen allele CA2573130494.
Genomic context (GRCh38, chr1:11,999,069, plus strand): 5'-GTGAGTGAGCGTCTCTCCCGGCCAAACATCTTCATCCTGAACAACCGCTGGGATGCATCT[GC>TT]CTCAGAGCCCGAGTACATGGAGGAGGTTCGTGCTTCTGTTTGGCAGTTTGGGGAATGCAA-3'
Protein context (NP_055689.1, residues 254-274): FILNNRWDAS[Ala264Phe]SEPEYMEEVR